The following is an entry in ClinVar:

NM_000203.5(IDUA):c.614G>A (p.Cys205Tyr)

Gene: IDUA (alpha-L-iduronidase; plus strand). Cytogenetic location: 4p16.3.
Variant type: single nucleotide variant.
Coding change: c.614G>A on transcript NM_000203.5 (MANE Select); coding-DNA position 614, G replaced by A.
Protein change: p.Cys205Tyr; replaces cysteine 205 with tyrosine.
Molecular consequence: missense variant. On other transcripts: non-coding transcript variant (1).
Genome position (GRCh38, 1-based): chr4:1,001,703, G>A. VCF-style: chr4-1001703-G-A. GRCh37 (hg19) VCF-style: chr4-995491-G-A.
Other names: NM_000203.5(IDUA):c.614G>A; p.Cys205Tyr; c.218G>A, p.Cys73Tyr (NM_001363576.1); short protein forms C205Y, C73Y.
Identifiers: ClinVar variation 1468875 (VCV001468875.10), dbSNP rs1715086540, ClinGen allele CA355961928.

ClinVar aggregate classification (germline): Likely pathogenic. Review status: reviewed by expert panel (3 of 4 stars). 3 submissions from 3 submitters: Likely pathogenic (1). 2 of the submissions do not count toward it. Last evaluated 2024-12-06.

Conditions:
Mucopolysaccharidosis type 1. Also called: IDUA deficiency; MPS I; Mucopolysaccharidosis Type I. Identifiers: Orphanet 579, MedGen C0023786, MONDO:0001586.

Allele frequency attached by ClinVar (database versions not stated): gnomAD exomes below 0.00001.
gnomAD v4.1: 2 of 1,600,092 alleles (0.00012%); highest among the groups gnomAD compares: South Asian, 0.0022%; no homozygotes.

Submissions (3):

ClinGen Lysosomal Storage Disorder Variant Curation Expert Panel
Classification: Likely pathogenic for Mucopolysaccharidosis type 1. Last evaluated: 2024-12-06. Review status: reviewed by expert panel. Criteria: ClinGen LSD ACMG Specifications IDUA V1.0.0. Collection method: curation. Allele origin: germline. Inheritance: Autosomal recessive inheritance.
Comment: The NM_000203.5:c.614G>A variant in IDUA is a missense variant predicted to cause substitution of cysteine by tyrosine at amino acid 205 (p.Cys205Tyr). Two patients with a diagnosis of MPS I are reported to be compound heterozygous for the variant and another variant in IDUA that has been classified as pathogenic or likely pathogenic for MPS I by the ClinGen LD VCEP. The phase is unconfirmed in both cases. The second variant is c.501C>A (p.Tyr167Ter) in one patient (pathogenic, 0.5 points, PMID: 11735025) and c.1240delA in the second patient (likely pathogenic, PMID: 28752568, 0.25 points). Total points = 0.75 (PM3_Supporting). One of these individuals was described as having symptoms typical of attenuated MPS I (Scheie syndrome) with documentation of low IDUA activity values (PMID: 11735025) (PP4). The highest population minor allele frequency in gnomAD v4.1.0. is 0.00002202 (2/90842 alleles) in the South Asian population which is lower than the ClinGen Lysosomal Diseases VCEP’s threshold for PM2_Supporting (<0.00025), meeting this criterion (PM2_Supporting). Expression of the variant in COS-7 resulted in <1% wild-type IDUA activity indicating that this variant may impact protein function (Table 8, PMID: 11735025) (PS3_Supporting). The computational predictor REVEL gives a score of 0.951, which is above the threshold of 0.773, evidence, that correlates with impact to IDUA function at the moderate level, based on the specifications of the ClinGen Lysosomal Diseases VCEP (PMID: 36413997) (PP3_Moderate). Three other missense variants have been reported at the same amino acid position: c.613T>G (p.Cys205Gly) (ClinVar Variation ID: 2184620, LP in ClinVar), c.613T>A (p.Cys205Ser) (ClinVar Variation ID: 2145829, VUS in ClinVar), and c.615C>G (p.Cys205Trp) (ClinVar Variation ID: 3613351, LP in ClinVar). The classification of the current variant, c.614G>A (p.Cys205Tyr), will be used in the assessment of the other variants at Cys205. Therefore, PM5 is not applied in order to avoid circular logic. In summary, this variant meets the criteria to be classified as likely pathogenic for MPS I. IDUA-specific ACMG/AMP criteria met, based on the specifications of the ClinGen Lysosomal Diseases VCEP (Specifications Version 1.0.0): PP3_Moderate, PP4, PS3_Supporting. PM3_Supporting, PM2_Supporting. (Classification approved by the ClinGen Lysosomal Diseases Variant Curation Expert Panel on December 6, 2024)

Women's Health and Genetics/Laboratory Corporation of America, LabCorp
Classification: Likely pathogenic for Mucopolysaccharidosis type 1. Last evaluated: 2024-11-18. Review status: criteria provided, single submitter. Criteria: LabCorp Variant Classification Summary - May 2015. Collection method: clinical testing. Allele origin: germline. Not counted in ClinVar's aggregate classification.
Comment: Variant summary: IDUA c.614G>A (p.Cys205Tyr) results in a non-conservative amino acid change located in the Glycosyl hydrolases family 39 domain (IPR049166) of the encoded protein sequence. Five of five in-silico tools predict a damaging effect of the variant on protein function. The variant was absent in 229796 control chromosomes. c.614G>A has been reported in the literature in multiple compound heterozygous individuals affected with Mucopolysaccharidosis Type 1 (e.g. Beesley_2001, Ghosh_2017). These data indicate that the variant may be associated with disease. At least one publication reports experimental evidence evaluating an impact on protein function. The most pronounced variant effect results in <10% of normal enzyme activity in vitro (e.g. Beesley_2001). The following publications have been ascertained in the context of this evaluation (PMID: 11735025, 28752568). ClinVar contains an entry for this variant (Variation ID: 1468875). Based on the evidence outlined above, the variant was classified as likely pathogenic.

Labcorp Genetics (formerly Invitae), Labcorp
Classification: Pathogenic for Mucopolysaccharidosis type 1. Last evaluated: 2022-10-11. Review status: criteria provided, single submitter. Criteria: Invitae Variant Classification Sherloc (09022015). Collection method: clinical testing. Allele origin: germline. Not counted in ClinVar's aggregate classification.
Comment: This missense change has been observed in individual(s) with mucopolysaccharidosis type I (PMID: 11735025, 28752568). ClinVar contains an entry for this variant (Variation ID: 1468875). Advanced modeling of protein sequence and biophysical properties (such as structural, functional, and spatial information, amino acid conservation, physicochemical variation, residue mobility, and thermodynamic stability) performed at Invitae indicates that this missense variant is expected to disrupt IDUA protein function. Experimental studies have shown that this missense change affects IDUA function (PMID: 11735025). For these reasons, this variant has been classified as Pathogenic. This variant is not present in population databases (gnomAD no frequency). This sequence change replaces cysteine, which is neutral and slightly polar, with tyrosine, which is neutral and polar, at codon 205 of the IDUA protein (p.Cys205Tyr).

Literature cited by the submitters: PubMed 11735025 (cited by Women's Health and Genetics/Laboratory Corporation of America, LabCorp and Labcorp Genetics (formerly Invitae), Labcorp); PubMed 28752568 (cited by Women's Health and Genetics/Laboratory Corporation of America, LabCorp and Labcorp Genetics (formerly Invitae), Labcorp).